The following is an entry in ClinVar:

ClinVar aggregate classification (germline): Likely benign (1 of 4 stars; one submission).

Conditions:
GIGYF2-related disorder. Also called: GIGYF2-related condition.

gnomAD v4.1: 61 of 1,569,680 alleles (0.0039%); highest among the groups gnomAD compares: Middle Eastern, 0.067%; no homozygotes.

Submission:

PreventionGenetics, part of Exact Sciences
Classification: Likely benign for GIGYF2-related condition. Last evaluated: 2025-06-17. Review status: criteria provided, single submitter. Criteria: ACMG Guidelines, 2015. Collection method: clinical testing. Allele origin: germline.
Comment: This variant is classified as likely benign based on ACMG/AMP sequence variant interpretation guidelines (Richards et al. 2015 PMID: 25741868, with internal and published modifications).

NM_001103146.3(GIGYF2):c.3460+8T>C

Gene: GIGYF2 (GRB10 interacting GYF protein 2; plus strand). Cytogenetic location: 2q37.1.
Variant type: single nucleotide variant.
Coding change: c.3460+8T>C on transcript NM_001103146.3 (MANE Select); 8 bases into the intron after coding-DNA position 3460, T replaced by C.
Molecular consequence: intron variant.
Genome position (GRCh38, 1-based): chr2:232,845,894, T>C. VCF-style: chr2-232845894-T-C. GRCh37 (hg19) VCF-style: chr2-233710604-T-C.
Other names: c.3460+8T>C (NM_015575.4); c.3523+8T>C (NM_001103147.2); c.3442+8T>C (NM_001103148.2).
Identifiers: ClinVar variation 4989769 (VCV004989769.1).